The following is an entry in ClinVar:

NM_020884.7(MYH7B):c.4394G>A (p.Arg1465Gln)

Gene: MYH7B (myosin heavy chain 7B; plus strand). Cytogenetic location: 20q11.22.
Variant type: single nucleotide variant.
Coding change: c.4394G>A on transcript NM_020884.7 (MANE Select); coding-DNA position 4394, G replaced by A.
Protein change: p.Arg1465Gln; replaces arginine 1465 with glutamine.
Molecular consequence: missense variant.
Genome position (GRCh38, 1-based): chr20:34,999,259, G>A. VCF-style: chr20-34999259-G-A. GRCh37 (hg19) VCF-style: chr20-33587062-G-A.
Other names: c.4520G>A (NM_020884.4); short protein forms R1465Q.
Identifiers: ClinVar variation 1591054 (VCV001591054.9), dbSNP rs775693388, ClinGen allele CA9828095.

ClinVar aggregate classification (germline): Benign/Likely benign. Review status: criteria provided, multiple submitters, no conflicts (2 of 4 stars). 2 submissions from 2 submitters: Benign (1); Likely benign (1). Last evaluated 2026-01-12.

Conditions:
MYH7B-related disorder. Also called: MYH7B-related condition.

Allele frequency attached by ClinVar (database versions not stated): gnomAD 0.00013 and 0.00014; TOPMed 0.00040; ExAC 0.00078; gnomAD exomes 0.00081.
gnomAD v4.1: 240 of 1,601,024 alleles (0.015%); highest among the groups gnomAD compares: Admixed American, 0.37%; 3 homozygotes.

Submissions (2):

Labcorp Genetics (formerly Invitae), Labcorp
Classification: Benign. Last evaluated: 2026-01-12. Review status: criteria provided, single submitter. Criteria: Invitae Variant Classification Sherloc (09022015). Collection method: clinical testing. Allele origin: germline.

PreventionGenetics, part of Exact Sciences
Classification: Likely benign for MYH7B-related condition. Last evaluated: 2025-06-17. Review status: criteria provided, single submitter. Criteria: ACMG Guidelines, 2015. Collection method: clinical testing. Allele origin: germline.
Comment: This variant is classified as likely benign based on ACMG/AMP sequence variant interpretation guidelines (Richards et al. 2015 PMID: 25741868, with internal and published modifications).